The following is an entry in ClinVar:

NM_001458.5(FLNC):c.6737G>A (p.Ser2246Asn)

Genes: FLNC-AS1 (FLNC antisense RNA 1; minus strand), FLNC (filamin C; plus strand). Cytogenetic location: 7q32.1.
Variant type: single nucleotide variant.
Coding change: c.6737G>A on transcript NM_001458.5 (MANE Select); coding-DNA position 6737, G replaced by A.
Protein change: p.Ser2246Asn; replaces serine 2246 with asparagine.
Molecular consequence: missense variant.
Genome position (GRCh38, 1-based): chr7:128,854,422, G>A. VCF-style: chr7-128854422-G-A. GRCh37 (hg19) VCF-style: chr7-128494476-G-A.
Other names: c.6638G>A, p.Ser2213Asn (NM_001127487.2); short protein forms S2213N, S2246N.
Identifiers: ClinVar variation 1932096 (VCV001932096.5), dbSNP rs1808964556, ClinGen allele CA369213477.

ClinVar aggregate classification (germline): Uncertain significance (1 of 4 stars; one submission).

Conditions:
Distal myopathy with posterior leg and anterior hand involvement. Also called: WILLIAMS DISTAL MYOPATHY. Identifiers: Orphanet 63273, MedGen C3279722, MONDO:0013550, OMIM 614065.
Myofibrillar myopathy 5. Also called: Filaminopathy (type); FILAMINOPATHY, AUTOSOMAL DOMINANT. Identifiers: Orphanet 171445, MedGen C1836050, MONDO:0012289, OMIM 609524.
Hypertrophic cardiomyopathy 26. Also called: Cardiomyopathy, familial hypertrophic, 26. Identifiers: Orphanet 75249, MedGen C4310749, MONDO:0014883, OMIM 617047.

Allele frequency attached by ClinVar (database versions not stated): TOPMed below 0.00001.

Submission:

Labcorp Genetics (formerly Invitae), Labcorp
Classification: Uncertain significance for Distal myopathy with posterior leg and anterior hand involvement; Myofibrillar myopathy 5; Hypertrophic cardiomyopathy 26. Last evaluated: 2022-11-08. Review status: criteria provided, single submitter. Criteria: Invitae Variant Classification Sherloc (09022015). Collection method: clinical testing. Allele origin: germline.
Comment: This sequence change replaces serine, which is neutral and polar, with asparagine, which is neutral and polar, at codon 2246 of the FLNC protein (p.Ser2246Asn). This variant is not present in population databases (gnomAD no frequency). In summary, the available evidence is currently insufficient to determine the role of this variant in disease. Therefore, it has been classified as a Variant of Uncertain Significance. Algorithms developed to predict the effect of missense changes on protein structure and function (SIFT, PolyPhen-2, Align-GVGD) all suggest that this variant is likely to be tolerated. This variant has not been reported in the literature in individuals affected with FLNC-related conditions.